The following is an entry in ClinVar:

ClinVar aggregate classification (germline): Benign (1 of 4 stars; one submission).

Conditions:
Juvenile polyposis syndrome (JPS). Identifiers: Orphanet 2929, MedGen C0345893, MONDO:0017380, OMIM 174900.

Submission:

Myriad Genetics, Inc.
Classification: Benign for Juvenile polyposis syndrome. Last evaluated: 2024-07-31. Review status: criteria provided, single submitter. Criteria: Myriad Autosomal Dominant, Autosomal Recessive and X-Linked Classification Criteria (2023). Collection method: clinical testing. Allele origin: unknown.
Comment: This variant is considered benign. This variant is a silent/synonymous amino acid change and it is not expected to impact splicing.

NM_004329.3(BMPR1A):c.216T>A (p.Ile72=)

Gene: BMPR1A (bone morphogenetic protein receptor type 1A; plus strand). Cytogenetic location: 10q23.2.
Variant type: single nucleotide variant.
Coding change: c.216T>A on transcript NM_004329.3 (MANE Select); coding-DNA position 216, T replaced by A.
Protein change: p.Ile72=; no amino-acid change (isoleucine 72 retained).
Molecular consequence: synonymous variant. On other transcripts: non-coding transcript variant (3).
Genome position (GRCh38, 1-based): chr10:86,890,210, T>A. VCF-style: chr10-86890210-T-A. GRCh37 (hg19) VCF-style: chr10-88649967-T-A.
Other names: c.216T>A, p.Ile72= (NM_001406559.1, NM_001406560.1, NM_001406561.1 and 23 more transcripts); c.132T>A, p.Ile44= (NM_001406584.1, NM_001406585.1, NM_001406586.1 and 2 more transcripts).
Identifiers: ClinVar variation 3379056 (VCV003379056.1).